The following is an entry in ClinVar:

ClinVar aggregate classification (germline): Uncertain significance (1 of 4 stars; one submission).

Conditions:
Gastrointestinal stromal tumor. Also called: Gastrointestinal stroma tumor; Gastrointestinal stromal tumor, somatic. Identifiers: Orphanet 44890, MedGen C0238198, MeSH D046152, MONDO:0011719, OMIM 606764, HP:0100723.

Submission:

Labcorp Genetics (formerly Invitae), Labcorp
Classification: Uncertain significance for Gastrointestinal stromal tumor. Last evaluated: 2021-01-12. Review status: criteria provided, single submitter. Criteria: Invitae Variant Classification Sherloc (09022015). Collection method: clinical testing. Allele origin: germline.
Comment: In summary, the available evidence is currently insufficient to determine the role of this variant in disease. Therefore, it has been classified as a Variant of Uncertain Significance. Algorithms developed to predict the effect of missense changes on protein structure and function are either unavailable or do not agree on the potential impact of this missense change (SIFT: "Deleterious"; PolyPhen-2: "Possibly Damaging"; Align-GVGD: "Class C0"). This variant has not been reported in the literature in individuals with PDGFRA-related conditions. This variant is not present in population databases (ExAC no frequency). This sequence change replaces threonine with alanine at codon 1044 of the PDGFRA protein (p.Thr1044Ala). The threonine residue is highly conserved and there is a small physicochemical difference between threonine and alanine.

NM_006206.6(PDGFRA):c.3130A>G (p.Thr1044Ala)

Gene: PDGFRA (platelet derived growth factor receptor alpha; plus strand). Cytogenetic location: 4q12.
Variant type: single nucleotide variant.
Coding change: c.3130A>G on transcript NM_006206.6 (MANE Select); coding-DNA position 3130, A replaced by G.
Protein change: p.Thr1044Ala; replaces threonine 1044 with alanine.
Molecular consequence: missense variant.
Genome position (GRCh38, 1-based): chr4:54,295,132, A>G. VCF-style: chr4-54295132-A-G. GRCh37 (hg19) VCF-style: chr4-55161299-A-G.
Other names: c.3205A>G, p.Thr1069Ala (NM_001347828.2); c.3130A>G, p.Thr1044Ala (NM_001347829.2); c.3169A>G, p.Thr1057Ala (NM_001347830.2); short protein forms T1044A, T1057A, T1069A.
Identifiers: ClinVar variation 1502028 (VCV001502028.8), dbSNP rs2110358422, ClinGen allele CA356896456.